The following is an entry in ClinVar:

ClinVar aggregate classification (germline): Uncertain significance (1 of 4 stars; one submission).

Submission:

ARUP Laboratories, Molecular Genetics and Genomics, ARUP Laboratories
Classification: Uncertain significance. Last evaluated: 2024-12-04. Review status: criteria provided, single submitter. Criteria: ARUP Molecular Germline Variant Investigation Process 2024. Collection method: clinical testing. Allele origin: germline.
Comment: The F8 c.6208_6215delinsTTTGA; p.Ala2070_Leu2072delinsPheAsp variant, to our knowledge, is not reported in the medical literature or gene specific databases. This variant is also absent from the Genome Aggregation Database (v2.1.1), indicating it is not a common polymorphism. This variant inserts a phenylalanine and an aspartic acid residue leaving the rest of the protein in-frame. Due to limited information, the clinical significance of this variant is uncertain at this time.

NM_000132.4(F8):c.6208_6215delinsTTTGA (p.Ala2070_Leu2072delinsPheAsp)

Gene: F8 (coagulation factor VIII; minus strand). Cytogenetic location: Xq28.
Variant type: Indel.
Coding change: c.6208_6215delinsTTTGA on transcript NM_000132.4 (MANE Select); coding-DNA positions 6208 to 6215, GCCAGACT replaced by TTTGA.
Protein change: p.Ala2070_Leu2072delinsPheAsp.
Molecular consequence: inframe indel.
Genome position (GRCh38, 1-based): chrX:154,899,924-154,899,931, AGTCTGGC replaced by TCAAA on the plus strand (GCCAGACT replaced by TTTGA on the coding strand, the reverse complement: F8 is on the minus strand). VCF-style: chrX-154899924-AGTCTGGC-TCAAA. GRCh37 (hg19) VCF-style: chrX-154128199-AGTCTGGC-TCAAA.
Identifiers: ClinVar variation 4685774 (VCV004685774.1).